The following is an entry in ClinVar:

ClinVar aggregate classification (germline): Benign/Likely benign. Review status: criteria provided, multiple submitters, no conflicts (2 of 4 stars). 3 submissions from 3 submitters: Benign (1); Likely benign (2). Last evaluated 2026-07-15.

Conditions:
Hereditary cancer-predisposing syndrome. Also called: Hereditary neoplastic syndrome; Neoplastic Syndromes, Hereditary; Tumor predisposition; Hereditary Cancer Syndrome. Identifiers: Orphanet 140162, MedGen C0027672, MeSH D009386, MONDO:0015356.
Rhabdoid tumor predisposition syndrome 2 (RTPS2). Identifiers: Orphanet 231108, Orphanet 69077, MedGen C2750074, MONDO:0013224, OMIM 613325.

Allele frequency attached by ClinVar (database versions not stated): TOPMed 0.00001; gnomAD exomes below 0.00001; ESP Exome Variant Server 0.00008.
gnomAD v4.1: 2 of 779,282 alleles (0.00026%); highest among the groups gnomAD compares: Non-Finnish European, 0.00048%; no homozygotes.

Submissions (3):

Myriad Genetics, Inc.
Classification: Benign for Rhabdoid tumor predisposition syndrome 2. Last evaluated: 2026-07-15. Review status: criteria provided, single submitter. Criteria: Myriad Autosomal Dominant, Autosomal Recessive and X-Linked Classification Criteria (2023). Collection method: clinical testing. Allele origin: unknown.
Comment: This variant is considered benign. This variant is a silent/synonymous amino acid change and it is not expected to impact splicing.

Labcorp Genetics (formerly Invitae), Labcorp
Classification: Likely benign for Rhabdoid tumor predisposition syndrome 2. Last evaluated: 2025-11-02. Review status: criteria provided, single submitter. Criteria: Invitae Variant Classification Sherloc (09022015). Collection method: clinical testing. Allele origin: germline.

Ambry Genetics
Classification: Likely benign for Hereditary cancer-predisposing syndrome. Last evaluated: 2015-07-22. Review status: criteria provided, single submitter. Criteria: Ambry Variant Classification Scheme 2023. Collection method: clinical testing. Allele origin: germline.

NM_003072.5(SMARCA4):c.3861G>A (p.Glu1287=)

Gene: SMARCA4 (SWI/SNF related BAF chromatin remodeling complex subunit ATPase 4; plus strand). Cytogenetic location: 19p13.2.
Variant type: single nucleotide variant.
Coding change: c.3861G>A on transcript NM_003072.5 (MANE Select); coding-DNA position 3861, G replaced by A.
Protein change: p.Glu1287=; no amino-acid change (glutamic acid 1287 retained).
Molecular consequence: synonymous variant. On other transcripts: intron variant (5).
Genome position (GRCh38, 1-based): chr19:11,033,853, G>A. VCF-style: chr19-11033853-G-A. GRCh37 (hg19) VCF-style: chr19-11144529-G-A.
Other names: c.3861G>A, p.Glu1287= (NM_001128844.3, NM_001128849.3); c.3775-270G>A (NM_001128847.4, NM_001374457.1, NM_001128845.2 and 2 more transcripts).
Identifiers: ClinVar variation 705715 (VCV000705715.16), dbSNP rs138177738, ClinGen allele CA305290914.